The following is an entry in ClinVar:

ClinVar aggregate classification (germline): Conflicting classifications of pathogenicity. Review status: criteria provided, conflicting classifications (1 of 4 stars). 3 submissions from 3 submitters: Uncertain significance (1); Likely benign (2). Last evaluated 2025-12-25.

Conditions:
EYS-related disorder. Also called: EYS-related condition.

Allele frequency attached by ClinVar (database versions not stated): gnomAD exomes 0.00006; ExAC 0.00030; gnomAD 0.00068 and 0.00070; TOPMed 0.00097; 1000 Genomes Project 0.00120; 1000 Genomes Project 30x 0.00125.
gnomAD v4.1: 198 of 1,551,292 alleles (0.013%); highest among the groups gnomAD compares: African/African-American, 0.25%; no homozygotes.

Submissions (3):

Labcorp Genetics (formerly Invitae), Labcorp
Classification: Likely benign. Last evaluated: 2025-12-25. Review status: criteria provided, single submitter. Criteria: Invitae Variant Classification Sherloc (09022015). Collection method: clinical testing. Allele origin: germline.

PreventionGenetics, part of Exact Sciences
Classification: Likely benign for EYS-related condition. Last evaluated: 2025-12-22. Review status: criteria provided, single submitter. Criteria: ACMG Guidelines, 2015. Collection method: clinical testing. Allele origin: germline.
Comment: This variant is classified as likely benign based on ACMG/AMP sequence variant interpretation guidelines (Richards et al. 2015 PMID: 25741868, with internal and published modifications).

Blueprint Genetics
Classification: Uncertain significance. Last evaluated: 2024-10-11. Review status: criteria provided, single submitter. Criteria: ACMG Guidelines, 2015. Collection method: clinical testing. Allele origin: germline.

NM_001142800.2(EYS):c.5240A>G (p.Glu1747Gly)

Gene: EYS (EGF-like photoreceptor maintenance factor; minus strand). Cytogenetic location: 6q12.
Variant type: single nucleotide variant.
Coding change: c.5240A>G on transcript NM_001142800.2 (MANE Select); coding-DNA position 5240, A replaced by G.
Protein change: p.Glu1747Gly; replaces glutamic acid 1747 with glycine.
Molecular consequence: missense variant.
Genome position (GRCh38, 1-based): chr6:64,590,627, T>C on the plus strand (A>G on the coding strand, the complement: EYS is on the minus strand). VCF-style: chr6-64590627-T-C. GRCh37 (hg19) VCF-style: chr6-65300520-T-C.
Other names: c.5240A>G, p.Glu1747Gly (NM_001292009.2); short protein forms E1747G.
Identifiers: ClinVar variation 743207 (VCV000743207.13), dbSNP rs535663619, ClinGen allele CA3877031.